The following is an entry in ClinVar:

ClinVar aggregate classification (germline): Uncertain significance (1 of 4 stars; one submission).

Submission:

CeGaT Center for Human Genetics Tuebingen
Classification: Uncertain significance. Last evaluated: 2023-09-01. Review status: criteria provided, single submitter. Criteria: CeGaT Center For Human Genetics Tuebingen Variant Classification Criteria Version 2. Collection method: clinical testing. Allele origin: germline. Affected: yes. Observed: 1 variant allele.
Comment: CPLANE1: PM2, BP4

NM_001384732.1(CPLANE1):c.1522-3del

Gene: CPLANE1 (ciliogenesis and planar polarity effector complex subunit 1; minus strand). Cytogenetic location: 5p13.2.
Variant type: Deletion.
Coding change: c.1522-3del on transcript NM_001384732.1 (MANE Select); 3 bases into the intron before coding-DNA position 1522, one base deleted (T; older notation c.1522-3delT).
Molecular consequence: intron variant.
Genome position (GRCh38, 1-based): chr5:37,227,076, A deleted on the plus strand (T on the coding strand, the reverse complement: CPLANE1 is on the minus strand); the first of 4 consecutive A bases (chr5:37,227,076-37,227,079); deleting any one gives the same sequence. VCF-style (leftmost placement, unchanged base first): chr5-37227075-TA-T. GRCh37 (hg19) VCF-style: chr5-37227177-TA-T.
Other names: c.1522-3del (NM_023073.4).
Identifiers: ClinVar variation 2655432 (VCV002655432.24), dbSNP rs1796612743, ClinGen allele CA1539697566.